The following is an entry in ClinVar:

ClinVar aggregate classification (germline): Uncertain significance (1 of 4 stars; one submission).

Allele frequency attached by ClinVar (database versions not stated): gnomAD exomes below 0.00001 and 0.00001; ExAC 0.00001.
gnomAD v4.1: 7 of 1,600,296 alleles (0.00044%); highest among the groups gnomAD compares: Non-Finnish European, 0.00034%; no homozygotes.

Submission:

Labcorp Genetics (formerly Invitae), Labcorp
Classification: Uncertain significance. Last evaluated: 2025-10-01. Review status: criteria provided, single submitter. Criteria: Invitae Variant Classification Sherloc (09022015). Collection method: clinical testing. Allele origin: germline.
Comment: This sequence change replaces arginine, which is basic and polar, with tryptophan, which is neutral and slightly polar, at codon 756 of the CLCN7 protein (p.Arg756Trp). The frequency data for this variant in the population databases is considered unreliable, as metrics indicate poor data quality at this position in the gnomAD database. This variant has not been reported in the literature in individuals affected with CLCN7-related conditions. ClinVar contains an entry for this variant (Variation ID: 1505201). An algorithm developed to predict the effect of missense changes on protein structure and function (PolyPhen-2) suggests that this variant is likely to be disruptive. In summary, the available evidence is currently insufficient to determine the role of this variant in disease. Therefore, it has been classified as a Variant of Uncertain Significance.

NM_001287.6(CLCN7):c.2266C>T (p.Arg756Trp)

Gene: CLCN7 (Cl-/H+ antiporter 7; minus strand). Cytogenetic location: 16p13.3.
Variant type: single nucleotide variant.
Coding change: c.2266C>T on transcript NM_001287.6 (MANE Select); coding-DNA position 2266, C replaced by T.
Protein change: p.Arg756Trp; replaces arginine 756 with tryptophan.
Molecular consequence: missense variant.
Genome position (GRCh38, 1-based): chr16:1,447,071, G>A on the plus strand (C>T on the coding strand, the complement: CLCN7 is on the minus strand). VCF-style: chr16-1447071-G-A. GRCh37 (hg19) VCF-style: chr16-1497072-G-A.
Other names: c.2194C>T, p.Arg732Trp (NM_001114331.3); short protein forms R732W, R756W.
Identifiers: ClinVar variation 1505201 (VCV001505201.6), dbSNP rs776979076, ClinGen allele CA7809862.